The following is an entry in ClinVar:

NM_001367624.2(ZNF469):c.7645G>A (p.Val2549Ile)

Gene: ZNF469 (zinc finger protein 469; plus strand). Cytogenetic location: 16q24.2.
Variant type: single nucleotide variant.
Coding change: c.7645G>A on transcript NM_001367624.2 (MANE Select); coding-DNA position 7645, G replaced by A.
Protein change: p.Val2549Ile; replaces valine 2549 with isoleucine.
Molecular consequence: missense variant.
Genome position (GRCh38, 1-based): chr16:88,435,115, G>A. VCF-style: chr16-88435115-G-A. GRCh37 (hg19) VCF-style: chr16-88501523-G-A.
Other names: NM_001127464.1:c.7561G>A; NM_001127464.2:c.7561G>A; short protein forms V2549I.
Identifiers: ClinVar variation 808130 (VCV000808130.48), dbSNP rs759325304, ClinGen allele CA8225273.

ClinVar aggregate classification (germline): Uncertain significance. Review status: criteria provided, multiple submitters, no conflicts (2 of 4 stars). 6 submissions from 6 submitters: Uncertain significance (6). Last evaluated 2026-08-05.

Conditions:
ZNF469-related disorder. Also called: ZNF469-related condition.
Cardiovascular phenotype. Identifiers: MedGen CN230736.

Allele frequency attached by ClinVar (database versions not stated): gnomAD exomes 0.00003 and 0.00014; gnomAD 0.00005; TOPMed 0.00005; ExAC 0.00011.
gnomAD v4.1: 190 of 1,550,226 alleles (0.012%); highest among the groups gnomAD compares: Non-Finnish European, 0.016%; 1 homozygote.

Submissions (6):

GeneDx
Classification: Uncertain significance. Last evaluated: 2026-08-05. Review status: criteria provided, single submitter. Criteria: GeneDx Variant Classification Process June 2021. Collection method: clinical testing. Allele origin: germline.
Comment: Has not been previously published as pathogenic or benign to our knowledge; Not observed at significant frequency in large population cohorts (gnomAD); In silico analysis suggests that this missense variant does not alter protein structure/function

Women's Health and Genetics/Laboratory Corporation of America, LabCorp
Classification: Uncertain significance. Last evaluated: 2026-05-11. Review status: criteria provided, single submitter. Criteria: LabCorp Variant Classification Summary - May 2015. Collection method: clinical testing. Allele origin: germline.
Comment: Variant summary: ZNF469 c.7645G>A (p.Val2549Ile) results in a conservative amino acid change in the encoded protein sequence. Algorithms developed to predict the effect of missense changes on protein structure and function are either unavailable or do not agree on the potential impact of this missense change. The variant allele was found at a frequency of 3.3e-05 in 153742 control chromosomes. The available data on variant occurrences in the general population are insufficient to allow any conclusion about variant significance. To our knowledge, no occurrence of c.7645G>A in individuals affected with ZNF469-related conditions and no experimental evidence demonstrating its impact on protein function have been reported. ClinVar contains an entry for this variant (Variation ID: 808130). Based on the evidence outlined above, the variant was classified as uncertain significance.

PreventionGenetics, part of Exact Sciences
Classification: Uncertain significance for ZNF469-related condition. Last evaluated: 2026-01-26. Review status: criteria provided, single submitter. Criteria: ACMG Guidelines, 2015. Collection method: clinical testing. Allele origin: germline.
Comment: The ZNF469 c.7561G>A variant is predicted to result in the amino acid substitution p.Val2521Ile. To our knowledge, this variant has not been reported in the literature. This variant is reported in 0.0067% of alleles in individuals of European (Non-Finnish) descent in gnomAD. In gnomAD v4 (available only on GRCh38), this variant is reported in 0.01552% of alleles in individuals of European (Non-Finnish) descent, including one homozygote. At this time, the clinical significance of this variant is uncertain due to the absence of conclusive functional and genetic evidence.

Ambry Genetics
Classification: Uncertain significance for Cardiovascular phenotype. Last evaluated: 2025-05-13. Review status: criteria provided, single submitter. Criteria: Ambry Variant Classification Scheme 2023. Collection method: clinical testing. Allele origin: germline.

Labcorp Genetics (formerly Invitae), Labcorp
Classification: Uncertain significance. Last evaluated: 2022-02-01. Review status: criteria provided, single submitter. Criteria: Invitae Variant Classification Sherloc (09022015). Collection method: clinical testing. Allele origin: germline.
Comment: This sequence change replaces valine, which is neutral and non-polar, with isoleucine, which is neutral and non-polar, at codon 2521 of the ZNF469 protein (p.Val2521Ile). This variant is present in population databases (rs759325304, gnomAD 0.007%). This variant has not been reported in the literature in individuals affected with ZNF469-related conditions. ClinVar contains an entry for this variant (Variation ID: 808130). Algorithms developed to predict the effect of missense changes on protein structure and function output the following: SIFT: "Tolerated"; PolyPhen-2: "Benign"; Align-GVGD: "Class C0". The isoleucine amino acid residue is found in multiple mammalian species, which suggests that this missense change does not adversely affect protein function. In summary, the available evidence is currently insufficient to determine the role of this variant in disease. Therefore, it has been classified as a Variant of Uncertain Significance.

CeGaT Center for Human Genetics Tuebingen
Classification: Uncertain significance. Last evaluated: 2019-01-01. Review status: criteria provided, single submitter. Criteria: CeGaT Center For Human Genetics Tuebingen Variant Classification Criteria Version 2. Collection method: clinical testing. Allele origin: germline. Affected: yes. Observed: 1 variant allele.